The following is an entry in ClinVar:

ClinVar aggregate classification (germline): Uncertain significance (1 of 4 stars; one submission).

Conditions:
BBS5-related disorder. Also called: BBS5-related condition.

Submission:

PreventionGenetics, part of Exact Sciences
Classification: Uncertain significance for BBS5-related condition. Last evaluated: 2025-04-25. Review status: criteria provided, single submitter. Criteria: ACMG Guidelines, 2015. Collection method: clinical testing. Allele origin: germline.
Comment: The BBS5 c.982A>C variant is predicted to result in the amino acid substitution p.Lys328Gln. To our knowledge, this variant has not been reported in the literature or in a large population database, indicating this variant is rare. At this time, the clinical significance of this variant is uncertain due to the absence of conclusive functional and genetic evidence.

NM_152384.3(BBS5):c.982A>C (p.Lys328Gln)

Gene: BBS5 (Bardet-Biedl syndrome 5; plus strand). Cytogenetic location: 2q31.1.
Variant type: single nucleotide variant.
Coding change: c.982A>C on transcript NM_152384.3 (MANE Select); coding-DNA position 982, A replaced by C.
Protein change: p.Lys328Gln; replaces lysine 328 with glutamine.
Molecular consequence: missense variant.
Genome position (GRCh38, 1-based): chr2:169,504,538, A>C. VCF-style: chr2-169504538-A-C. GRCh37 (hg19) VCF-style: chr2-170361048-A-C.
Other names: short protein forms K328Q.
Identifiers: ClinVar variation 4982539 (VCV004982539.1).
Genomic context (GRCh38, chr2:169,504,538, plus strand): 5'-AAGCAACAAGATCGTGAACCTGTATTTTCAGAAGAACTGGGGCTTGCAATAGAGAAATTG[A>C]AGGATGGATTCACCCTACAGGGACTTTGGGAAGTAATGAGTTGATTGACCTTGAGTTGAG-3'
Protein context (NP_689597.1, residues 318-338): EELGLAIEKL[Lys328Gln]DGFTLQGLWE